The following is an entry in ClinVar:

NM_005055.5(RAPSN):c.1214C>G (p.Ser405Ter)

Gene: RAPSN (receptor associated protein of the synapse; minus strand). Cytogenetic location: 11p11.2.
Variant type: single nucleotide variant.
Coding change: c.1214C>G on transcript NM_005055.5 (MANE Select); coding-DNA position 1214, C replaced by G.
Protein change: p.Ser405Ter; replaces serine 405 with a stop codon.
Molecular consequence: nonsense. On other transcripts: synonymous variant (6), 3 prime UTR variant (3).
Genome position (GRCh38, 1-based): chr11:47,438,000, G>C on the plus strand (C>G on the coding strand, the complement: RAPSN is on the minus strand). VCF-style: chr11-47438000-G-C. GRCh37 (hg19) VCF-style: chr11-47459551-G-C.
Other names: c.1350C>G, p.Leu450= (NM_001440490.1); c.1299C>G, p.Leu433= (NM_001440491.1); c.*659C>G (NM_001440492.1, NM_001440498.1, NM_001440500.1); c.1017C>G, p.Leu339= (NM_001440493.1); c.1014C>G, p.Leu338= (NM_001440494.1); c.1160C>G, p.Ser387Ter (NM_001440495.1); c.960C>G, p.Leu320= (NM_001440496.1); c.1091C>G, p.Ser364Ter (NM_001440497.1); and 6 more; short protein forms S292*, S311*, S352*, S387*, S405*, S334*, S364*, S346*.
Identifiers: ClinVar variation 5003615 (VCV005003615.1).

ClinVar aggregate classification (germline): Uncertain significance (1 of 4 stars; one submission).

Conditions:
RAPSN-related disorder. Also called: RAPSN-related condition; RAPSN-related disorders. Identifiers: MedGen CN239397.

gnomAD v4.1: 1 of 1,550,536 alleles (0.000064%); highest among the groups gnomAD compares: Non-Finnish European, 0.000087%; no homozygotes.

Submission:

Myriad Genetics, Inc.
Classification: Uncertain significance for RAPSN-related disorder. Last evaluated: 2026-08-13. Review status: criteria provided, single submitter. Criteria: Myriad Autosomal Dominant, Autosomal Recessive and X-Linked Classification Criteria (2023). Collection method: clinical testing. Allele origin: unknown.
Comment: NM_005055.4(RAPSN):c.1214C>G(S405*) is a nonsense variant classified as a variant of uncertain significance in the context of RAPSN-related disorders. S405* has not been observed in cases with relevant disease. Relevant functional assessments of this variant are not available in the literature. S405* has not been observed in referenced population frequency databases. In summary, there is insufficient evidence to classify NM_005055.4(RAPSN):c.1214C>G(S405*) as pathogenic or benign. Please note: this variant was assessed in the context of healthy population screening.